The following is an entry in ClinVar:

ClinVar aggregate classification (germline): Uncertain significance. Review status: criteria provided, multiple submitters, no conflicts (2 of 4 stars). 3 submissions from 3 submitters: Uncertain significance (3). Last evaluated 2025-04-29.

Conditions:
Catecholaminergic polymorphic ventricular tachycardia (CVPT). Also called: Catecholamine-induced polymorphic ventricular tachycardia. Identifiers: Orphanet 3286, MedGen C5574922, MONDO:0017990.
Cardiovascular phenotype. Identifiers: MedGen CN230736.
Catecholaminergic polymorphic ventricular tachycardia 1. Also called: RYR2-Related Catecholaminergic Polymorphic Ventricular Tachycardia; VENTRICULAR TACHYCARDIA, STRESS-INDUCED POLYMORPHIC 1; VENTRICULAR TACHYCARDIA, CATECHOLAMINERGIC POLYMORPHIC, 1, WITH OR WITHOUT ATRIAL DYSFUNCTION AND/OR DILATED CARDIOMYOPATHY. Identifiers: Orphanet 3286, MedGen C1631597, MONDO:0011484, OMIM 604772.

Submissions (3):

Labcorp Genetics (formerly Invitae), Labcorp
Classification: Uncertain significance for Catecholaminergic polymorphic ventricular tachycardia 1. Last evaluated: 2025-04-29. Review status: criteria provided, single submitter. Criteria: Invitae Variant Classification Sherloc (09022015). Collection method: clinical testing. Allele origin: germline.
Comment: This sequence change falls in intron 21 of the RYR2 gene. It does not directly change the encoded amino acid sequence of the RYR2 protein. It affects a nucleotide within the consensus splice site. This variant is present in population databases (no rsID available, gnomAD 0.002%). This variant has not been reported in the literature in individuals affected with RYR2-related conditions. ClinVar contains an entry for this variant (Variation ID: 3069945). Variants that disrupt the consensus splice site are a relatively common cause of aberrant splicing (PMID: 17576681, 9536098). Algorithms developed to predict the effect of sequence changes on RNA splicing suggest that this variant is not likely to affect RNA splicing. In summary, the available evidence is currently insufficient to determine the role of this variant in disease. Therefore, it has been classified as a Variant of Uncertain Significance.

Ambry Genetics
Classification: Uncertain significance for Cardiovascular phenotype. Last evaluated: 2023-09-27. Review status: criteria provided, single submitter. Criteria: Ambry Variant Classification Scheme 2023. Collection method: clinical testing. Allele origin: germline.
Comment: The c.2396+3_2396+12del10 alteration begins 3 nucleotides after coding exon 21 in the RYR2 gene. This variant results from a deletion of 10 nucleotides at positions c.2396+3 to c.2396+12. Based on insufficient or conflicting evidence, the clinical significance of this alteration remains unclear.

All of Us Research Program, National Institutes of Health
Classification: Uncertain significance for Catecholaminergic polymorphic ventricular tachycardia. Last evaluated: 2023-03-28. Review status: criteria provided, single submitter. Criteria: ACMG Guidelines, 2015. Collection method: clinical testing. Allele origin: germline. Inheritance: Autosomal dominant inheritance. Observed: 1 variant allele, 1 heterozygote.
Comment: This study involves interpretation of variants in research participants for the purpose of population health screening. Participant phenotype was not available at the time of variant classification. Additional details can be found in publication PMID: 35346344, PMCID: PMC8962531

Literature cited by the submitters: PubMed 17576681 (cited by Labcorp Genetics (formerly Invitae), Labcorp); PubMed 9536098 (cited by Labcorp Genetics (formerly Invitae), Labcorp).

NM_001035.3(RYR2):c.2396+3_2396+12del

Gene: RYR2 (ryanodine receptor 2; plus strand). Cytogenetic location: 1q43.
Variant type: Deletion.
Coding change: c.2396+3_2396+12del on transcript NM_001035.3 (MANE Select); bases 3 to 12 of the intron after coding-DNA position 2396, 10 bases deleted (TAGTATGTCT; older notation c.2396+3_2396+12delTAGTATGTCT).
Molecular consequence: splice donor variant.
Genome position (GRCh38, 1-based): chr1:237,500,906-237,500,915, TAGTATGTCT deleted; deleting any 10 consecutive bases within chr1:237,500,905-237,500,915 gives the same sequence; the c. name uses the placement nearest the transcript's 3' end. VCF-style (leftmost placement, unchanged base first): chr1-237500904-GTTAGTATGTC-G. GRCh37 (hg19) VCF-style: chr1-237664204-GTTAGTATGTC-G.
Other names: c.2396+3_2396+12del10 (NM_001035.2).
Identifiers: ClinVar variation 3069945 (VCV003069945.3), dbSNP rs1466478837, ClinGen allele CA529912657.